The following is an entry in ClinVar:

NM_001256071.3(RNF213):c.7417G>A (p.Ala2473Thr)

Gene: RNF213 (ring finger protein 213; plus strand). Cytogenetic location: 17q25.3.
Variant type: single nucleotide variant.
Coding change: c.7417G>A on transcript NM_001256071.3 (MANE Select); coding-DNA position 7417, G replaced by A.
Protein change: p.Ala2473Thr; replaces alanine 2473 with threonine.
Molecular consequence: missense variant.
Genome position (GRCh38, 1-based): chr17:80,345,752, G>A. VCF-style: chr17-80345752-G-A. GRCh37 (hg19) VCF-style: chr17-78319552-G-A.
Other names: p.Ala2473Thr; short protein forms A2473T.
Identifiers: ClinVar variation 717371 (VCV000717371.33), dbSNP rs147521107, ClinGen allele CA8820745.

ClinVar aggregate classification (germline): Benign. Review status: criteria provided, multiple submitters, no conflicts (2 of 4 stars). 4 submissions from 4 submitters: Benign (4). Last evaluated 2025-10-20.

Allele frequency attached by ClinVar (database versions not stated): gnomAD exomes 0.00040 and 0.00099; ExAC 0.00130; gnomAD 0.00331 and 0.00354; ESP Exome Variant Server 0.00369; TOPMed 0.00378; 1000 Genomes Project 0.00519; 1000 Genomes Project 30x 0.00547.
gnomAD v4.1: 1,123 of 1,614,188 alleles (0.07%); highest among the groups gnomAD compares: African/African-American, 1.1%; 12 homozygotes.

Submissions (4):

Labcorp Genetics (formerly Invitae), Labcorp
Classification: Benign. Last evaluated: 2025-10-20. Review status: criteria provided, single submitter. Criteria: Invitae Variant Classification Sherloc (09022015). Collection method: clinical testing. Allele origin: germline.

Mayo Clinic Laboratories, Mayo Clinic
Classification: Benign. Last evaluated: 2025-10-03. Review status: criteria provided, single submitter. Criteria: ACMG Guidelines, 2015. Collection method: clinical testing. Allele origin: germline. Observed: 1 variant allele.
Comment: BS1, BS2, BP4_moderate

CeGaT Center for Human Genetics Tuebingen
Classification: Benign. Last evaluated: 2023-11-01. Review status: criteria provided, single submitter. Criteria: CeGaT Center For Human Genetics Tuebingen Variant Classification Criteria Version 2. Collection method: clinical testing. Allele origin: germline. Affected: yes. Observed: 1 variant allele.
Comment: RNF213: BP4, BS1, BS2

Breakthrough Genomics
Classification: Benign. Review status: criteria provided, single submitter. Criteria: ACMG Guidelines, 2015. Collection method: not provided. Allele origin: germline. Inheritance: Autosomal dominant inheritance. Affected: yes.